The following is an entry in ClinVar:

NM_001393769.1(MED12L):c.6137A>C (p.Gln2046Pro)

Gene: MED12L (mediator complex subunit 12L; plus strand). Cytogenetic location: 3q25.1.
Variant type: single nucleotide variant.
Coding change: c.6137A>C on transcript NM_001393769.1 (MANE Select); coding-DNA position 6137, A replaced by C.
Protein change: p.Gln2046Pro; replaces glutamine 2046 with proline.
Molecular consequence: missense variant.
Genome position (GRCh38, 1-based): chr3:151,411,504, A>C. VCF-style: chr3-151411504-A-C. GRCh37 (hg19) VCF-style: chr3-151129292-A-C.
Other names: c.6032A>C, p.Gln2011Pro (NM_053002.6); short protein forms Q2011P, Q2046P.
Identifiers: ClinVar variation 4527837 (VCV004527837.1).

ClinVar aggregate classification (germline): Uncertain significance (1 of 4 stars; one submission).

Submission:

GeneDx
Classification: Uncertain significance. Last evaluated: 2025-05-07. Review status: criteria provided, single submitter. Criteria: GeneDx Variant Classification Process June 2021. Collection method: clinical testing. Allele origin: germline. Affected: yes.
Comment: Not observed at significant frequency in large population cohorts (gnomAD); In silico analysis suggests that this missense variant does not alter protein structure/function; Has not been previously published as pathogenic or benign to our knowledge